The following is an entry in ClinVar:

NM_002317.7(LOX):c.607T>C (p.Tyr203His)

Genes: LOX (lysyl oxidase; minus strand), SRFBP1 (serum response factor binding protein 1; plus strand). Cytogenetic location: 5q23.1.
Variant type: single nucleotide variant.
Coding change: c.607T>C on transcript NM_002317.7 (MANE Select); coding-DNA position 607, T replaced by C.
Protein change: p.Tyr203His; replaces tyrosine 203 with histidine.
Molecular consequence: missense variant.
Genome position (GRCh38, 1-based): chr5:122,077,379, A>G on the plus strand (T>C on the coding strand, the complement: LOX is on the minus strand). VCF-style: chr5-122077379-A-G. GRCh37 (hg19) VCF-style: chr5-121413074-A-G.
Other names: c.607T>C (NM_002317.6); short protein forms Y203H.
Identifiers: ClinVar variation 2451967 (VCV002451967.3), dbSNP rs749454059, ClinGen allele CA3384003.
Genomic context (GRCh38, chr5:122,077,379, plus strand): 5'-TGCACGGGTGCTTCCAGCGGACTTGGGGGTACTTACCGTACTGGAAGTAGCCAGTGCCGT[A>G]TCCGGGCCGGTACCTGCCCCCAGGTCTGGGCCTTTCATAAGTATCGTAGTAGTTGTAATA-3'
Protein context (NP_002308.2, residues 193-213): PRPGGRYRPG[Tyr203His]GTGYFQYGLP

ClinVar aggregate classification (germline): Uncertain significance. Review status: criteria provided, multiple submitters, no conflicts (2 of 4 stars). 2 submissions from 2 submitters: Uncertain significance (2). Last evaluated 2024-12-26.

Conditions:
Cardiovascular phenotype. Identifiers: MedGen CN230736.

Allele frequency attached by ClinVar (database versions not stated): gnomAD exomes below 0.00001; TOPMed 0.00001; ExAC 0.00003.
gnomAD v4.1: 6 of 1,613,944 alleles (0.00037%); highest among the groups gnomAD compares: Admixed American, 0.0083%; no homozygotes.

Submissions (2):

GeneDx
Classification: Uncertain significance. Last evaluated: 2024-12-26. Review status: criteria provided, single submitter. Criteria: GeneDx Variant Classification Process June 2021. Collection method: clinical testing. Allele origin: germline. Affected: yes.
Comment: Not observed at significant frequency in large population cohorts (gnomAD); In silico analysis indicates that this missense variant does not alter protein structure/function; Has not been previously published as pathogenic or benign to our knowledge

Ambry Genetics
Classification: Uncertain significance for Cardiovascular phenotype. Last evaluated: 2023-01-25. Review status: criteria provided, single submitter. Criteria: Ambry Variant Classification Scheme 2023. Collection method: clinical testing. Allele origin: germline.
Comment: The p.Y203H variant (also known as c.607T>C), located in coding exon 1 of the LOX gene, results from a T to C substitution at nucleotide position 607. The tyrosine at codon 203 is replaced by histidine, an amino acid with similar properties. This amino acid position is conserved. In addition, this alteration is predicted to be tolerated by in silico analysis. Since supporting evidence is limited at this time, the clinical significance of this alteration remains unclear.